The following is an entry in ClinVar:

NM_002693.3(POLG):c.126GCA[8] (p.Gln53_Gln55del)

Genes: POLG (DNA polymerase gamma, catalytic subunit; minus strand), POLGARF (POLG alternative reading frame; minus strand). Cytogenetic location: 15q26.1.
Variant type: Microsatellite.
Coding change: c.126GCA[8] on transcript NM_002693.3 (MANE Select); eight copies in a row of the 3-base unit GCA starting at c.126; the reference has 11 copies in a row; three copies, 9 bases deleted; also written c.150_158del.
Protein change: p.Gln53_Gln55del.
Molecular consequence: inframe deletion.
Genome position (GRCh38, 1-based): chr15:89,333,597-89,333,605, TGCTGCTGC deleted on the plus strand (GCAGCAGCA on the coding strand, the reverse complement: POLG is on the minus strand); deleting any 9 consecutive bases within chr15:89,333,597-89,333,629 gives the same sequence; the position shown is the placement nearest the transcript's 3' end. VCF-style (leftmost placement, unchanged base first): chr15-89333596-TTGCTGCTGC-T. GRCh37 (hg19) VCF-style: chr15-89876827-TTGCTGCTGC-T.
Other names: p.Gln53_Gln55del; c.150_158delGCAGCAGCA (NM_002693.2); c.126GCA[8], p.Gln53_Gln55del (NM_001126131.2); c.150_158del (NM_002693.3).
Identifiers: ClinVar variation 206481 (VCV000206481.60), dbSNP rs41550117, ClinGen allele CA316616.

ClinVar aggregate classification (germline): Benign/Likely benign. Review status: criteria provided, multiple submitters, no conflicts (2 of 4 stars). 16 submissions from 16 submitters: Benign (2); Likely benign (10). 4 of the submissions do not count toward it. Last evaluated 2026-09-01.

Conditions:
POLG-related disorder. Also called: POLG-Related Spectrum Disorders; POLG-related condition; POLG-Related Disorders. Identifiers: MedGen C4763519.
Inborn genetic diseases. Identifiers: MedGen C0950123, MeSH D030342.
Progressive sclerosing poliodystrophy (MTDPS4A). Also called: Mitochondrial DNA depletion syndrome 4A (Alpers type); Alpers-Huttenlocher Syndrome (AHS); Mitochondrial DNA Depletion Syndrome 4A; Alpers Syndrome; ALPERS PROGRESSIVE INFANTILE POLIODYSTROPHY; ALPERS DIFFUSE DEGENERATION OF CEREBRAL GRAY MATTER WITH HEPATIC CIRRHOSIS. Identifiers: Orphanet 726, MedGen C0205710, MONDO:0008758, OMIM 203700.
Mitochondrial DNA depletion syndrome 1. Also called: Mitochondrial Neurogastrointestinal Encephalopathy Disease; MITOCHONDRIAL NEUROGASTROINTESTINAL ENCEPHALOPATHY SYNDROME, TYMP-RELATED; MNGIE, TYMP-RELATED; Mitochondrial DNA Depletion Syndrome, MNGIE Form; Mitochondrial DNA depletion syndrome 1 (MNGIE type); Mitochondrial neurogastrointestinal encephalomyopathy syndrome. Identifiers: Orphanet 298, MedGen C4551995, MONDO:0011283, OMIM 603041.
Mitochondrial DNA depletion syndrome 4b. Also called: Mitochondrial Neurogastrointestinal Encephalopathy Disease, POLG-Related; MNGIE, POLG-RELATED. Identifiers: Orphanet 298, MedGen C3150914, MONDO:0013350, OMIM 613662.
Sensory ataxic neuropathy, dysarthria, and ophthalmoparesis (SANDO). Also called: Epilepsy, progressive myoclonic, type 5; Ataxia Neuropathy Spectrum (ANS); Sensory ataxic neuropathy-dysarthria-ophthalmoparesis syndrome; SENSORY ATAXIC NEUROPATHY WITH MITOCHONDRIAL DNA DELETIONS, AUTOSOMAL RECESSIVE. Identifiers: Orphanet 70595, MedGen C1843851, MONDO:0011835, OMIM 607459.
Progressive external ophthalmoplegia with mitochondrial DNA deletions, autosomal dominant 1 (PEOA1). Also called: PROGRESSIVE EXTERNAL OPHTHALMOPLEGIA, AUTOSOMAL DOMINANT 1; Autosomal Dominant Progressive External Ophthalmoplegia (adPEO). Identifiers: MedGen C1834846, MONDO:0024528, OMIM 157640.
Progressive external ophthalmoplegia with mitochondrial DNA deletions, autosomal recessive 1 (PEOB1). Also called: Progressive external ophthalmoplegia, autosomal recessive 1; Autosomal Recessive Progressive External Ophthalmoplegia (arPEO). Identifiers: Orphanet 254886, MedGen C4225153, MONDO:0009783, OMIM 258450.
Hereditary spastic paraplegia. Also called: Familial spastic paraparesis. Identifiers: Orphanet 685, MedGen C0037773, MONDO:0019064. Disease mechanism: loss of function.
Intellectual disability. Also called: Intellectual developmental disorder; Intellectual functioning disability; intellectual disabilities. Identifiers: MedGen C3714756, MeSH D008607, MONDO:0001071, HP:0001249.

Submissions (16):

CeGaT Center for Human Genetics Tuebingen
Classification: Likely benign. Last evaluated: 2026-09-01. Review status: criteria provided, single submitter. Criteria: CeGaT Center For Human Genetics Tuebingen Variant Classification Criteria Version 2. Collection method: clinical testing. Allele origin: germline. Affected: yes. Observed: 40 variant alleles.
Comment: POLG: BP3, BS2

Labcorp Genetics (formerly Invitae), Labcorp
Classification: Benign for Progressive sclerosing poliodystrophy. Last evaluated: 2026-02-04. Review status: criteria provided, single submitter. Criteria: Invitae Variant Classification Sherloc (09022015). Collection method: clinical testing. Allele origin: germline.

Mayo Clinic Laboratories, Mayo Clinic
Classification: Likely benign. Last evaluated: 2025-01-20. Review status: criteria provided, single submitter. Criteria: ACMG Guidelines, 2015. Collection method: clinical testing. Allele origin: germline. Observed: 26 variant alleles.
Comment: BS1, BP3

Blueprint Genetics
Classification: Likely benign. Last evaluated: 2024-11-20. Review status: criteria provided, single submitter. Criteria: ACMG Guidelines, 2015. Collection method: clinical testing. Allele origin: germline.

ARUP Laboratories, Molecular Genetics and Genomics, ARUP Laboratories
Classification: Likely benign. Last evaluated: 2024-08-09. Review status: criteria provided, single submitter. Criteria: ARUP Molecular Germline Variant Investigation Process 2024. Collection method: clinical testing. Allele origin: germline.

Fulgent Genetics
Classification: Likely benign for Progressive external ophthalmoplegia with mitochondrial DNA deletions, autosomal dominant 1; Progressive sclerosing poliodystrophy; Progressive external ophthalmoplegia with mitochondrial DNA deletions, autosomal recessive 1; Mitochondrial DNA depletion syndrome 1; Sensory ataxic neuropathy, dysarthria, and ophthalmoparesis; Mitochondrial DNA depletion syndrome 4b. Last evaluated: 2022-04-13. Review status: criteria provided, single submitter. Criteria: ACMG Guidelines, 2015. Collection method: clinical testing. Allele origin: unknown.

Genome Diagnostics Laboratory, The Hospital for Sick Children
Classification: Likely benign for Hereditary spastic paraplegia. Last evaluated: 2021-12-16. Review status: criteria provided, single submitter. Criteria: ACMG Guidelines, 2015. Collection method: clinical testing. Allele origin: germline. Affected: yes.

Cambridge Genomics Laboratory, East Genomic Laboratory Hub, NHS Genomic Medicine Service
Classification: Likely benign for Intellectual disability. Last evaluated: 2019-04-17. Review status: criteria provided, single submitter. Criteria: ACGS Best Practice Guidelines for Variant Classification in Rare Disease 2020. Collection method: clinical testing. Allele origin: germline. Affected: yes. Observed: 1 variant allele.

Centre for Mendelian Genomics, University Medical Centre Ljubljana
Classification: Likely benign for Mitochondrial DNA depletion syndrome 4b. Last evaluated: 2018-10-30. Review status: criteria provided, single submitter. Criteria: ACMG Guidelines, 2015. Collection method: clinical testing. Allele origin: unknown. Affected: yes.
Comment: This variant was classified as: Likely benign. The following ACMG criteria were applied in classifying this variant: BS1,BP3.

Ambry Genetics
Classification: Likely benign for Inborn genetic diseases. Last evaluated: 2018-10-18. Review status: criteria provided, single submitter. Criteria: Ambry Variant Classification Scheme 2023. Collection method: clinical testing. Allele origin: germline.

Eurofins Ntd Llc (ga)
Classification: Likely benign. Last evaluated: 2016-10-12. Review status: criteria provided, single submitter. Criteria: EGL Classification Definitions 2015. Collection method: clinical testing. Allele origin: germline. Observed: 2 variant alleles, 2 heterozygotes.

GeneDx
Classification: Benign. Last evaluated: 2015-03-11. Review status: criteria provided, single submitter. Criteria: GeneDx Variant Classification (06012015). Collection method: clinical testing. Allele origin: germline. Affected: yes.
Comment: This variant is considered likely benign or benign based on one or more of the following criteria: it is a conservative change, it occurs at a poorly conserved position in the protein, it is predicted to be benign by multiple in silico algorithms, and/or has population frequency not consistent with disease.

PreventionGenetics, part of Exact Sciences
Classification: Likely benign for POLG-related condition. Last evaluated: 2023-12-07. Review status: no assertion criteria provided. Collection method: clinical testing. Allele origin: germline. Not counted in ClinVar's aggregate classification.
Comment: This variant is classified as likely benign based on ACMG/AMP sequence variant interpretation guidelines (Richards et al. 2015 PMID: 25741868, with internal and published modifications).

Clinical Genetics DNA and cytogenetics Diagnostics Lab, Erasmus MC, Erasmus Medical Center
Classification: Benign. Review status: no assertion criteria provided. Collection method: clinical testing. Allele origin: germline. Affected: yes. Study: VKGL Data-share Consensus. Not counted in ClinVar's aggregate classification.

Genome Diagnostics Laboratory, University Medical Center Utrecht
Classification: Likely benign. Review status: no assertion criteria provided. Collection method: clinical testing. Allele origin: germline. Affected: yes. Study: VKGL Data-share Consensus. Not counted in ClinVar's aggregate classification.

Laboratory of Diagnostic Genome Analysis, Leiden University Medical Center (LUMC)
Classification: Likely benign. Review status: no assertion criteria provided. Collection method: clinical testing. Allele origin: germline. Affected: yes. Study: VKGL Data-share Consensus. Not counted in ClinVar's aggregate classification.

Literature cited by the submitters: PubMed 30818899 (cited by Mayo Clinic Laboratories, Mayo Clinic).